The following is an entry in ClinVar:

NM_004656.4(BAP1):c.458del (p.Pro153fs)

Gene: BAP1 (BRCA1 associated deubiquitinase 1; minus strand). Cytogenetic location: 3p21.1.
Variant type: Deletion.
Coding change: c.458del on transcript NM_004656.4 (MANE Select); coding-DNA position 458, one base deleted (C; older notation c.458delC).
Protein change: p.Pro153fs; shifts the reading frame from proline 153.
Molecular consequence: frameshift variant.
Genome position (GRCh38, 1-based): chr3:52,407,296, G deleted on the plus strand (C on the coding strand, the reverse complement: BAP1 is on the minus strand); the first of 3 consecutive G bases (chr3:52,407,296-52,407,298); deleting any one gives the same sequence. VCF-style (leftmost placement, unchanged base first): chr3-52407295-AG-A. GRCh37 (hg19) VCF-style: chr3-52441311-AG-A.
Other names: c.456delC, p.Pro153Leufs (NM_001410772.1); c.458delC (NM_004656.2); short protein forms P153fs.
Identifiers: ClinVar variation 1741703 (VCV001741703.3), dbSNP rs2471350612, ClinGen allele CA433777289.
Genomic context (GRCh38, chr3:52,407,295, plus strand): 5'-ATAGCTGACAAAGTGGAACGCCTCCATGGTCCGCACTGCACTAAGGCCATTCTGCTTCTC[AG>A]GGAGGTGGCGTGGCTCGGGCCTGGGGAAAAACAGAGTCAGGGCCCAAAAAATGATACTCC-3'

ClinVar aggregate classification (germline): Pathogenic. Review status: criteria provided, multiple submitters, no conflicts (2 of 4 stars). 2 submissions from 2 submitters: Pathogenic (2). Last evaluated 2025-12-14.

Conditions:
Hereditary cancer-predisposing syndrome. Also called: Hereditary Cancer Syndrome; Hereditary neoplastic syndrome; Neoplastic Syndromes, Hereditary; Tumor predisposition. Identifiers: Orphanet 140162, MedGen C0027672, MeSH D009386, MONDO:0015356.
BAP1-related tumor predisposition syndrome (TPDS1). Also called: COMMON Syndrome; TUMOR PREDISPOSITION SYNDROME 1; BAP1 tumor predisposition syndrome; Tumor susceptibility linked to germline BAP1 mutations. Identifiers: Orphanet 289539, MedGen C3280492, MONDO:0013692, OMIM 614327.

Submissions (2):

Labcorp Genetics (formerly Invitae), Labcorp
Classification: Pathogenic for BAP1-related tumor predisposition syndrome. Last evaluated: 2025-12-14. Review status: criteria provided, single submitter. Criteria: Invitae Variant Classification Sherloc (09022015). Collection method: clinical testing. Allele origin: germline.
Comment: This sequence change creates a premature translational stop signal (p.Pro153Leufs*34) in the BAP1 gene. It is expected to result in an absent or disrupted protein product. Loss-of-function variants in BAP1 are known to be pathogenic (PMID: 21874000, 23684012). This variant is not present in population databases (gnomAD no frequency). This premature translational stop signal has been observed in individual(s) with renal cell carcinoma (PMID: 22683710). ClinVar contains an entry for this variant (Variation ID: 1741703). For these reasons, this variant has been classified as Pathogenic.

Ambry Genetics
Classification: Pathogenic for Hereditary cancer-predisposing syndrome. Last evaluated: 2020-01-03. Review status: criteria provided, single submitter. Criteria: Ambry Variant Classification Scheme 2023. Collection method: clinical testing. Allele origin: germline.
Comment: The c.458delC pathogenic mutation, located in coding exon 7 of the BAP1 gene, results from a deletion of one nucleotide at nucleotide position 458, causing a translational frameshift with a predicted alternate stop codon (p.P153Lfs*34). This alteration is expected to result in loss of function by premature protein truncation or nonsense-mediated mRNA decay. As such, this alteration is interpreted as a disease-causing mutation.

Literature cited by the submitters: PubMed 21874000 (cited by Labcorp Genetics (formerly Invitae), Labcorp); PubMed 23684012 (cited by Labcorp Genetics (formerly Invitae), Labcorp); PubMed 22683710 (cited by Labcorp Genetics (formerly Invitae), Labcorp).